The following is an entry in ClinVar:

ClinVar aggregate classification (germline): Uncertain significance. Review status: criteria provided, multiple submitters, no conflicts (2 of 4 stars). 3 submissions from 3 submitters: Uncertain significance (3). Last evaluated 2025-06-18.

Allele frequency attached by ClinVar (database versions not stated): gnomAD exomes 0.00001; TOPMed 0.00001.
gnomAD v4.1: 13 of 1,614,182 alleles (0.00081%); highest among the groups gnomAD compares: Non-Finnish European, 0.0011%; no homozygotes.

Submissions (3):

Labcorp Genetics (formerly Invitae), Labcorp
Classification: Uncertain significance. Last evaluated: 2025-06-18. Review status: criteria provided, single submitter. Criteria: Invitae Variant Classification Sherloc (09022015). Collection method: clinical testing. Allele origin: germline.
Comment: This sequence change replaces glutamine, which is neutral and polar, with arginine, which is basic and polar, at codon 331 of the SRP72 protein (p.Gln331Arg). This variant is not present in population databases (gnomAD no frequency). This variant has not been reported in the literature in individuals affected with SRP72-related conditions. ClinVar contains an entry for this variant (Variation ID: 2501550). Invitae Evidence Modeling of protein sequence and biophysical properties (such as structural, functional, and spatial information, amino acid conservation, physicochemical variation, residue mobility, and thermodynamic stability) indicates that this missense variant is not expected to disrupt SRP72 protein function with a negative predictive value of 80%. In summary, the available evidence is currently insufficient to determine the role of this variant in disease. Therefore, it has been classified as a Variant of Uncertain Significance.

Ambry Genetics
Classification: Uncertain significance. Last evaluated: 2024-11-30. Review status: criteria provided, single submitter. Criteria: Ambry Variant Classification Scheme 2023. Collection method: clinical testing. Allele origin: germline.
Comment: The p.Q331R variant (also known as c.992A>G), located in coding exon 10 of the SRP72 gene, results from an A to G substitution at nucleotide position 992. The glutamine at codon 331 is replaced by arginine, an amino acid with highly similar properties. This amino acid position is conserved. In addition, this alteration is predicted to be deleterious by in silico analysis. Based on the available evidence, the clinical significance of this variant remains unclear.

GeneDx
Classification: Uncertain significance. Last evaluated: 2023-07-30. Review status: criteria provided, single submitter. Criteria: GeneDx Variant Classification Process June 2021. Collection method: clinical testing. Allele origin: germline. Affected: yes.
Comment: Not observed at significant frequency in large population cohorts (gnomAD); In silico analysis supports that this missense variant does not alter protein structure/function; Has not been previously published as pathogenic or benign to our knowledge

NM_006947.4(SRP72):c.992A>G (p.Gln331Arg)

Gene: SRP72 (signal recognition particle 72; plus strand). Cytogenetic location: 4q12.
Variant type: single nucleotide variant.
Coding change: c.992A>G on transcript NM_006947.4 (MANE Select); coding-DNA position 992, A replaced by G.
Protein change: p.Gln331Arg; replaces glutamine 331 with arginine.
Molecular consequence: missense variant. On other transcripts: non-coding transcript variant (1).
Genome position (GRCh38, 1-based): chr4:56,484,770, A>G. VCF-style: chr4-56484770-A-G. GRCh37 (hg19) VCF-style: chr4-57350936-A-G.
Other names: c.809A>G, p.Gln270Arg (NM_001267722.2); short protein forms Q270R, Q331R.
Identifiers: ClinVar variation 2501550 (VCV002501550.5), dbSNP rs1029513210, ClinGen allele CA97602489.